The following is an entry in ClinVar:

NM_024529.5(CDC73):c.240del (p.Glu81fs)

Gene: CDC73 (cell division cycle 73; plus strand). Cytogenetic location: 1q31.2.
Variant type: Deletion.
Coding change: c.240del on transcript NM_024529.5 (MANE Select); coding-DNA position 240, one base deleted (T; older notation c.240delT).
Protein change: p.Glu81fs; shifts the reading frame from glutamic acid 81.
Molecular consequence: frameshift variant.
Genome position (GRCh38, 1-based): chr1:193,130,176, T deleted. VCF-style (leftmost placement, unchanged base first): chr1-193130175-CT-C. GRCh37 (hg19) VCF-style: chr1-193099305-CT-C.
Other names: c.240delT, p.Glu81Lysfs (NM_024529.4); short protein forms E81fs.
Identifiers: ClinVar variation 1707836 (VCV001707836.3), dbSNP rs2527299998, ClinGen allele CA2580061781.
Genomic context (GRCh38, chr1:193,130,175, plus strand): 5'-TTATTAAGTTGTGTATCATTGTTATTCATTTCATATCTCATTTAAAATTTTGGTTTTAGA[CT>C]GAAAATATTCCTGTGGTTAGAAGACCTGATCGAAAAGATCTACTTGGATATCTCAATGGT-3'

ClinVar aggregate classification (germline): Pathogenic. Review status: criteria provided, multiple submitters, no conflicts (2 of 4 stars). 2 submissions from 2 submitters: Pathogenic (2). Last evaluated 2025-06-11.

Conditions:
Parathyroid carcinoma (PRTC). Also called: Parathyroid gland carcinoma; CDC73-Related Parathyroid Carcinoma. Identifiers: Orphanet 143, MedGen C0687150, MONDO:0012004, OMIM 608266, HP:0006780.

Submissions (2):

Labcorp Genetics (formerly Invitae), Labcorp
Classification: Pathogenic for Parathyroid carcinoma. Last evaluated: 2025-06-11. Review status: criteria provided, single submitter. Criteria: Invitae Variant Classification Sherloc (09022015). Collection method: clinical testing. Allele origin: germline.
Comment: This sequence change creates a premature translational stop signal (p.Glu81Lysfs*28) in the CDC73 gene. It is expected to result in an absent or disrupted protein product. Loss-of-function variants in CDC73 are known to be pathogenic (PMID: 12434154). This variant is not present in population databases (gnomAD no frequency). This premature translational stop signal has been observed in individual(s) with primary hyperparathyroidism (PMID: 27507909). ClinVar contains an entry for this variant (Variation ID: 1707836). For these reasons, this variant has been classified as Pathogenic.

GeneDx
Classification: Pathogenic. Last evaluated: 2022-09-29. Review status: criteria provided, single submitter. Criteria: GeneDx Variant Classification Process June 2021. Collection method: clinical testing. Allele origin: germline. Affected: yes.
Comment: Frameshift variant predicted to result in protein truncation or nonsense mediated decay in a gene for which loss-of-function is a known mechanism of disease; Not observed at significant frequency in large population cohorts (gnomAD); This variant is associated with the following publications: (PMID: 27507909)

Literature cited by the submitters: PubMed 12434154 (cited by Labcorp Genetics (formerly Invitae), Labcorp); PubMed 27507909 (cited by Labcorp Genetics (formerly Invitae), Labcorp).